The following is an entry in ClinVar:

ClinVar aggregate classification (germline): Uncertain significance (1 of 4 stars; one submission).

Conditions:
Inborn genetic diseases. Identifiers: MedGen C0950123, MeSH D030342.

gnomAD v4.1: 3 of 1,612,338 alleles (0.00019%); highest among the groups gnomAD compares: Non-Finnish European, 0.00025%; no homozygotes.

Submission:

Ambry Genetics
Classification: Uncertain significance for Inborn genetic diseases. Last evaluated: 2026-03-31. Review status: criteria provided, single submitter. Criteria: Ambry Variant Classification Scheme 2023. Collection method: clinical testing. Allele origin: germline.
Comment: The p.V790G variant (also known as c.2369T>G), located in coding exon 14 of the FANCM gene, results from a T to G substitution at nucleotide position 2369. The valine at codon 790 is replaced by glycine, an amino acid with dissimilar properties. This amino acid position is conserved. In addition, the in silico prediction for this alteration is inconclusive. Based on the available evidence, the clinical significance of this variant remains unclear.

NM_020937.4(FANCM):c.2369T>G (p.Val790Gly)

Gene: FANCM (FA complementation group M; plus strand). Cytogenetic location: 14q21.2.
Variant type: single nucleotide variant.
Coding change: c.2369T>G on transcript NM_020937.4 (MANE Select); coding-DNA position 2369, T replaced by G.
Protein change: p.Val790Gly; replaces valine 790 with glycine.
Molecular consequence: missense variant.
Genome position (GRCh38, 1-based): chr14:45,175,123, T>G. VCF-style: chr14-45175123-T-G. GRCh37 (hg19) VCF-style: chr14-45644326-T-G.
Other names: c.2291T>G, p.Val764Gly (NM_001308133.2); short protein forms V764G, V790G.
Identifiers: ClinVar variation 4871057 (VCV004871057.1).